The following is an entry in ClinVar:

NM_007254.4(PNKP):c.762_765del (p.His254fs)

Gene: PNKP (polynucleotide kinase 3'-phosphatase; minus strand). Cytogenetic location: 19q13.33.
Variant type: Microsatellite.
Coding change: c.762_765del on transcript NM_007254.4 (MANE Select); coding-DNA positions 762 to 765, 4 bases deleted (CGCA; older notation c.762_765delCGCA).
Protein change: p.His254fs; shifts the reading frame from histidine 254.
Molecular consequence: frameshift variant.
Genome position (GRCh38, 1-based): chr19:49,863,740-49,863,743, TGCG deleted on the plus strand (CGCA on the coding strand, the reverse complement: PNKP is on the minus strand); deleting any 4 consecutive bases within chr19:49,863,740-49,863,749 gives the same sequence; the c. name uses the placement nearest the transcript's 3' end. VCF-style (leftmost placement, unchanged base first): chr19-49863739-CTGCG-C. GRCh37 (hg19) VCF-style: chr19-50366996-CTGCG-C.
Other names: short protein forms H254fs.
Identifiers: ClinVar variation 2827511 (VCV002827511.3), dbSNP rs2514638711, ClinGen allele CA2739276952.

ClinVar aggregate classification (germline): Pathogenic (1 of 4 stars; one submission).

Conditions:
Developmental and epileptic encephalopathy, 12 (DEE12). Identifiers: MedGen C3150988, MONDO:0013389, OMIM 613722.

Submission:

Labcorp Genetics (formerly Invitae), Labcorp
Classification: Pathogenic for Developmental and epileptic encephalopathy, 12. Last evaluated: 2023-01-10. Review status: criteria provided, single submitter. Criteria: Invitae Variant Classification Sherloc (09022015). Collection method: clinical testing. Allele origin: germline.
Comment: For these reasons, this variant has been classified as Pathogenic. This variant has not been reported in the literature in individuals affected with PNKP-related conditions. This variant is not present in population databases (gnomAD no frequency). This sequence change creates a premature translational stop signal (p.His254Glnfs*8) in the PNKP gene. It is expected to result in an absent or disrupted protein product. Loss-of-function variants in PNKP are known to be pathogenic (PMID: 20118933, 25728773).

Literature cited by the submitters: PubMed 20118933; PubMed 25728773.